The following is an entry in ClinVar:

ClinVar aggregate classification (germline): Uncertain significance. Review status: criteria provided, multiple submitters, no conflicts (2 of 4 stars). 2 submissions from 2 submitters: Uncertain significance (2). Last evaluated 2025-02-09.

Conditions:
Inborn genetic diseases. Identifiers: MedGen C0950123, MeSH D030342.
Baller-Gerold syndrome (BGS). Also called: CRANIOSYNOSTOSIS WITH RADIAL DEFECTS. Identifiers: Orphanet 1225, MedGen C0265308, MONDO:0009039, OMIM 218600.

Allele frequency attached by ClinVar (database versions not stated): TOPMed below 0.00001; gnomAD exomes 0.00001 and 0.00002; ExAC 0.00002.

Submissions (2):

Ambry Genetics
Classification: Uncertain significance for Inborn genetic diseases. Last evaluated: 2025-02-09. Review status: criteria provided, single submitter. Criteria: Ambry Variant Classification Scheme 2023. Collection method: clinical testing. Allele origin: germline.
Comment: The p.S185F variant (also known as c.554C>T), located in coding exon 5 of the RECQL4 gene, results from a C to T substitution at nucleotide position 554. The serine at codon 185 is replaced by phenylalanine, an amino acid with highly dissimilar properties. This amino acid position is conserved. In addition, the in silico prediction for this alteration is inconclusive. Based on the available evidence, the clinical significance of this variant remains unclear.

Labcorp Genetics (formerly Invitae), Labcorp
Classification: Uncertain significance for Baller-Gerold syndrome. Last evaluated: 2025-01-07. Review status: criteria provided, single submitter. Criteria: Invitae Variant Classification Sherloc (09022015). Collection method: clinical testing. Allele origin: germline.
Comment: This sequence change replaces serine, which is neutral and polar, with phenylalanine, which is neutral and non-polar, at codon 185 of the RECQL4 protein (p.Ser185Phe). This variant is present in population databases (rs751922746, gnomAD 0.003%). This variant has not been reported in the literature in individuals affected with RECQL4-related conditions. ClinVar contains an entry for this variant (Variation ID: 649287). Invitae Evidence Modeling of protein sequence and biophysical properties (such as structural, functional, and spatial information, amino acid conservation, physicochemical variation, residue mobility, and thermodynamic stability) indicates that this missense variant is expected to disrupt RECQL4 protein function with a positive predictive value of 80%. In summary, the available evidence is currently insufficient to determine the role of this variant in disease. Therefore, it has been classified as a Variant of Uncertain Significance.

NM_004260.4(RECQL4):c.554C>T (p.Ser185Phe)

Gene: RECQL4 (RecQ like helicase 4; minus strand). Cytogenetic location: 8q24.3.
Variant type: single nucleotide variant.
Coding change: c.554C>T on transcript NM_004260.4 (MANE Select); coding-DNA position 554, C replaced by T.
Protein change: p.Ser185Phe; replaces serine 185 with phenylalanine.
Molecular consequence: missense variant.
Genome position (GRCh38, 1-based): chr8:144,516,565, G>A on the plus strand (C>T on the coding strand, the complement: RECQL4 is on the minus strand). VCF-style: chr8-144516565-G-A. GRCh37 (hg19) VCF-style: chr8-145741949-G-A.
Other names: short protein forms S185F.
Identifiers: ClinVar variation 649287 (VCV000649287.8), dbSNP rs751922746, ClinGen allele CA4949253.